The following is an entry in ClinVar:

ClinVar aggregate classification (germline): Uncertain significance (1 of 4 stars; one submission).

Conditions:
Inborn genetic diseases. Identifiers: MedGen C0950123, MeSH D030342.

Allele frequency attached by ClinVar (database versions not stated): TOPMed below 0.00001; gnomAD 0.00001.
gnomAD v4.1: 1 of 1,614,044 alleles (0.000062%); highest among the groups gnomAD compares: Non-Finnish European, 0.000085%; no homozygotes.

Submission:

Ambry Genetics
Classification: Uncertain significance for Inborn genetic diseases. Last evaluated: 2024-02-02. Review status: criteria provided, single submitter. Criteria: Ambry Variant Classification Scheme 2023. Collection method: clinical testing. Allele origin: germline.
Comment: The p.F2129L variant (also known as c.6385T>C), located in coding exon 44 of the LRRK2 gene, results from a T to C substitution at nucleotide position 6385. The phenylalanine at codon 2129 is replaced by leucine, an amino acid with highly similar properties. This amino acid position is conserved. In addition, the in silico prediction for this alteration is inconclusive. Based on the available evidence, the clinical significance of this alteration remains unclear.

NM_198578.4(LRRK2):c.6385T>C (p.Phe2129Leu)

Gene: LRRK2 (leucine rich repeat kinase 2; plus strand). Cytogenetic location: 12q12.
Variant type: single nucleotide variant.
Coding change: c.6385T>C on transcript NM_198578.4 (MANE Select); coding-DNA position 6385, T replaced by C.
Protein change: p.Phe2129Leu; replaces phenylalanine 2129 with leucine.
Molecular consequence: missense variant.
Genome position (GRCh38, 1-based): chr12:40,351,542, T>C. VCF-style: chr12-40351542-T-C. GRCh37 (hg19) VCF-style: chr12-40745344-T-C.
Other names: short protein forms F2129L.
Identifiers: ClinVar variation 3229729 (VCV003229729.1), dbSNP rs1946353495, ClinGen allele CA384406438.